The following is an entry in ClinVar:

ClinVar aggregate classification (germline): Uncertain significance (1 of 4 stars; one submission).

Conditions:
Chuvash polycythemia. Also called: POLYCYTHEMIA, VHL-DEPENDENT. Identifiers: Orphanet 238557, MedGen C1837915, MONDO:0009892, OMIM 263400.
Von Hippel-Lindau syndrome (VHLS). Also called: Von Hippel-Lindau; von Hippel–Lindau syndrome; VHL syndrome. Identifiers: Orphanet 892, MedGen C0019562, MONDO:0008667, OMIM 193300. Disease mechanism: loss of function.

Submission:

Labcorp Genetics (formerly Invitae), Labcorp
Classification: Uncertain significance for Von Hippel-Lindau syndrome; Chuvash polycythemia. Last evaluated: 2024-10-21. Review status: criteria provided, single submitter. Criteria: Invitae Variant Classification Sherloc (09022015). Collection method: clinical testing. Allele origin: germline.
Comment: This sequence change replaces glutamic acid, which is acidic and polar, with lysine, which is basic and polar, at codon 32 of the VHL protein (p.Glu32Lys). This variant is not present in population databases (gnomAD no frequency). This variant has not been reported in the literature in individuals affected with VHL-related conditions. ClinVar contains an entry for this variant (Variation ID: 2006000). Invitae Evidence Modeling of protein sequence and biophysical properties (such as structural, functional, and spatial information, amino acid conservation, physicochemical variation, residue mobility, and thermodynamic stability) indicates that this missense variant is not expected to disrupt VHL protein function with a negative predictive value of 95%. In summary, the available evidence is currently insufficient to determine the role of this variant in disease. Therefore, it has been classified as a Variant of Uncertain Significance.

NM_000551.4(VHL):c.94G>A (p.Glu32Lys)

Gene: VHL (von Hippel-Lindau tumor suppressor; plus strand). Cytogenetic location: 3p25.3.
Variant type: single nucleotide variant.
Coding change: c.94G>A on transcript NM_000551.4 (MANE Select); coding-DNA position 94, G replaced by A.
Protein change: p.Glu32Lys; replaces glutamic acid 32 with lysine.
Molecular consequence: missense variant.
Genome position (GRCh38, 1-based): chr3:10,141,941, G>A. VCF-style: chr3-10141941-G-A. GRCh37 (hg19) VCF-style: chr3-10183625-G-A.
Other names: c.94G>A, p.Glu32Lys (NM_001354723.2, NM_198156.3); short protein forms E32K.
Identifiers: ClinVar variation 2006000 (VCV002006000.4), dbSNP rs2125124683, ClinGen allele CA351747616.